The following is an entry in ClinVar:

NM_024301.5(FKRP):c.1466T>G (p.Leu489Arg)

Gene: FKRP (fukutin related protein; plus strand). Cytogenetic location: 19q13.32.
Variant type: single nucleotide variant.
Coding change: c.1466T>G on transcript NM_024301.5 (MANE Select); coding-DNA position 1466, T replaced by G.
Protein change: p.Leu489Arg; replaces leucine 489 with arginine.
Molecular consequence: missense variant.
Genome position (GRCh38, 1-based): chr19:46,756,916, T>G. VCF-style: chr19-46756916-T-G. GRCh37 (hg19) VCF-style: chr19-47260173-T-G.
Other names: c.1466T>G, p.Leu489Arg (NM_001039885.3); short protein forms L489R.
Identifiers: ClinVar variation 555862 (VCV000555862.48), dbSNP rs1555739321, ClinGen allele CA406497424.

ClinVar aggregate classification (germline): Uncertain significance. Review status: criteria provided, multiple submitters, no conflicts (2 of 4 stars). 4 submissions from 4 submitters: Uncertain significance (3). 1 of the submissions does not count toward it. Last evaluated 2025-11-24.

Conditions:
Cardiovascular phenotype. Identifiers: MedGen CN230736.
Autosomal recessive limb-girdle muscular dystrophy type 2I. Also called: MUSCULAR DYSTROPHY-DYSTROGLYCANOPATHY (LIMB-GIRDLE), TYPE C, 5; MUSCULAR DYSTROPHY-DYSTROGLYCANOPATHY, LIMB-GIRDLE, FRKP-RELATED; MUSCULAR DYSTROPHY, LIMB-GIRDLE, TYPE 2I. Identifiers: Orphanet 34515, MedGen C1846672, MONDO:0011787, OMIM 607155.
Walker-Warburg congenital muscular dystrophy. Also called: Muscular dystrophy-dystroglycanopathy, type A; Walker-Warburg syndrome. Identifiers: Orphanet 899, MedGen C0265221, MONDO:0000171.

Allele frequency attached by ClinVar (database versions not stated): gnomAD exomes below 0.00001.
gnomAD v4.1: 3 of 1,613,072 alleles (0.00019%); highest among the groups gnomAD compares: Non-Finnish European, 0.00025%; no homozygotes.

Submissions (4):

Ambry Genetics
Classification: Uncertain significance for Cardiovascular phenotype. Last evaluated: 2025-11-24. Review status: criteria provided, single submitter. Criteria: Ambry Variant Classification Scheme 2023. Collection method: clinical testing. Allele origin: germline.
Comment: The p.L489R variant (also known as c.1466T>G), located in coding exon 1 of the FKRP gene, results from a T to G substitution at nucleotide position 1466. The leucine at codon 489 is replaced by arginine, an amino acid with dissimilar properties. This variant was reported in individual(s) with features consistent with FKRP-related dystroglycanopathy; however, these individuals were also reported to be homozygous for the FKRP p.L276I pathogenic variant (Bourteel H et al. J Neurol Neurosurg Psychiatry, 2009 Dec;80:1405-8). This amino acid position is not well conserved in available vertebrate species. In addition, this alteration is predicted to be tolerated by in silico analysis. Based on the available evidence, the clinical significance of this variant remains unclear.

Labcorp Genetics (formerly Invitae), Labcorp
Classification: Uncertain significance for Walker-Warburg congenital muscular dystrophy. Last evaluated: 2021-08-13. Review status: criteria provided, single submitter. Criteria: Invitae Variant Classification Sherloc (09022015). Collection method: clinical testing. Allele origin: germline.
Comment: This sequence change replaces leucine with arginine at codon 489 of the FKRP protein (p.Leu489Arg). The leucine residue is moderately conserved and there is a moderate physicochemical difference between leucine and arginine. This variant is not present in population databases (ExAC no frequency). This missense change has been observed in individual(s) with limb-girdle muscular dystrophy (PMID: 19917824). ClinVar contains an entry for this variant (Variation ID: 555862). Algorithms developed to predict the effect of missense changes on protein structure and function output the following: SIFT: "Tolerated"; PolyPhen-2: "Benign"; Align-GVGD: "Class C0". The arginine amino acid residue is found in multiple mammalian species, which suggests that this missense change does not adversely affect protein function. In summary, the available evidence is currently insufficient to determine the role of this variant in disease. Therefore, it has been classified as a Variant of Uncertain Significance.

CeGaT Center for Human Genetics Tuebingen
Classification: Uncertain significance. Last evaluated: 2019-05-01. Review status: criteria provided, single submitter. Criteria: CeGaT Center For Human Genetics Tuebingen Variant Classification Criteria Version 2. Collection method: clinical testing. Allele origin: germline. Affected: yes. Observed: 1 variant allele.

Counsyl
Classification: Uncertain significance for Autosomal recessive limb-girdle muscular dystrophy type 2I. Last evaluated: 2017-12-29. Review status: no assertion criteria provided. Collection method: clinical testing. Allele origin: unknown. Not counted in ClinVar's aggregate classification.

Literature cited by the submitters: PubMed 19917824 (cited by 3 submitters).